The following is an entry in ClinVar:

NM_004698.4(PRPF3):c.780G>A (p.Glu260=)

Gene: PRPF3 (pre-mRNA processing factor 3; plus strand). Cytogenetic location: 1q21.2.
Variant type: single nucleotide variant.
Coding change: c.780G>A on transcript NM_004698.4 (MANE Select); coding-DNA position 780, G replaced by A.
Protein change: p.Glu260=; no amino-acid change (glutamic acid 260 retained).
Molecular consequence: synonymous variant. On other transcripts: non-coding transcript variant (4).
Genome position (GRCh38, 1-based): chr1:150,334,986, G>A. VCF-style: chr1-150334986-G-A. GRCh37 (hg19) VCF-style: chr1-150307457-G-A.
Other names: c.375G>A, p.Glu125= (NM_001350529.1).
Identifiers: ClinVar variation 292498 (VCV000292498.16), dbSNP rs80201355, ClinGen allele CA1075498.
Genomic context (GRCh38, chr1:150,334,986, plus strand): 5'-ATTTTTCAGGAAGGTGGAGTTAAAAGACCAAACGAAACCTACACCACTGATCCTGGATGA[G>A]CAAGGGCGCACTGTAGATGCAACAGGCAAGGAGATTGAGCTGACACACCGCATGCCTACT-3'
Protein context (NP_004689.1, residues 250-270): QTKPTPLILD[Glu260=]QGRTVDATGK

ClinVar aggregate classification (germline): Conflicting classifications of pathogenicity. Review status: criteria provided, conflicting classifications (1 of 4 stars). 4 submissions from 4 submitters: Uncertain significance (1); Likely benign (2). 1 of the submissions does not count toward it. Last evaluated 2025-12-20.

Conditions:
PRPF3-related disorder. Also called: PRPF3-related condition.
Retinitis pigmentosa (RP). Identifiers: Orphanet 791, MedGen C0035334, MeSH D012174, MONDO:0019200, OMIM 268000. Inheritance: Autosomal dominant, autosomal recessive and X linked inheritance.

Allele frequency attached by ClinVar (database versions not stated): 1000 Genomes Project 0.00020; gnomAD 0.00027 and 0.00030; ExAC 0.00028; ESP Exome Variant Server 0.00015; 1000 Genomes Project 30x 0.00016; TOPMed 0.00018.
gnomAD v4.1: 398 of 1,614,112 alleles (0.025%); highest among the groups gnomAD compares: Middle Eastern, 0.099%; no homozygotes.

Submissions (4):

Labcorp Genetics (formerly Invitae), Labcorp
Classification: Likely benign. Last evaluated: 2025-12-20. Review status: criteria provided, single submitter. Criteria: Invitae Variant Classification Sherloc (09022015). Collection method: clinical testing. Allele origin: germline.

Blueprint Genetics
Classification: Likely benign. Last evaluated: 2024-05-07. Review status: criteria provided, single submitter. Criteria: ACMG Guidelines, 2015. Collection method: clinical testing. Allele origin: germline.

Illumina Laboratory Services, Illumina
Classification: Uncertain significance for Retinitis pigmentosa. Last evaluated: 2018-01-13. Review status: criteria provided, single submitter. Criteria: ICSL Variant Classification Criteria 13 December 2019. Collection method: clinical testing. Allele origin: germline.

PreventionGenetics, part of Exact Sciences
Classification: Likely benign for PRPF3-related condition. Last evaluated: 2020-10-13. Review status: no assertion criteria provided. Collection method: clinical testing. Allele origin: germline. Not counted in ClinVar's aggregate classification.
Comment: This variant is classified as likely benign based on ACMG/AMP sequence variant interpretation guidelines (Richards et al. 2015 PMID: 25741868, with internal and published modifications).